The following is an entry in ClinVar:

NM_016356.5(DCDC2):c.802A>G (p.Asn268Asp)

Gene: DCDC2 (doublecortin domain containing 2; minus strand). Cytogenetic location: 6p22.3.
Variant type: single nucleotide variant.
Coding change: c.802A>G on transcript NM_016356.5 (MANE Select); coding-DNA position 802, A replaced by G.
Protein change: p.Asn268Asp; replaces asparagine 268 with aspartic acid.
Molecular consequence: missense variant.
Genome position (GRCh38, 1-based): chr6:24,278,169, T>C on the plus strand (A>G on the coding strand, the complement: DCDC2 is on the minus strand). VCF-style: chr6-24278169-T-C. GRCh37 (hg19) VCF-style: chr6-24278397-T-C.
Other names: c.802A>G, p.Asn268Asp (NM_001195610.2); short protein forms N268D.
Identifiers: ClinVar variation 1405263 (VCV001405263.8), dbSNP rs1438044739, ClinGen allele CA363278222.

ClinVar aggregate classification (germline): Uncertain significance (1 of 4 stars; one submission).

Conditions:
Isolated neonatal sclerosing cholangitis (NSC). Also called: Sclerosing cholangitis, neonatal. Identifiers: Orphanet 480556, MedGen C4479344, MONDO:0018816, OMIM 617394.
Autosomal recessive nonsyndromic hearing loss 66 (DFNB66). Also called: Deafness, autosomal recessive 66. Identifiers: Orphanet 90636, MedGen C1857750, MONDO:0012442, OMIM 610212.

Allele frequency attached by ClinVar (database versions not stated): gnomAD exomes below 0.00001; TOPMed below 0.00001.
gnomAD v4.1: 1 of 1,613,748 alleles (0.000062%); highest among the groups gnomAD compares: Non-Finnish European, 0.000085%; no homozygotes.

Submission:

Labcorp Genetics (formerly Invitae), Labcorp
Classification: Uncertain significance for Autosomal recessive nonsyndromic hearing loss 66; Isolated neonatal sclerosing cholangitis. Last evaluated: 2021-05-31. Review status: criteria provided, single submitter. Criteria: Invitae Variant Classification Sherloc (09022015). Collection method: clinical testing. Allele origin: germline.
Comment: Algorithms developed to predict the effect of missense changes on protein structure and function (SIFT, PolyPhen-2, Align-GVGD) all suggest that this variant is likely to be tolerated, but these predictions have not been confirmed by published functional studies and their clinical significance is uncertain. In summary, the available evidence is currently insufficient to determine the role of this variant in disease. Therefore, it has been classified as a Variant of Uncertain Significance. This variant has not been reported in the literature in individuals with DCDC2-related conditions. This variant is not present in population databases (ExAC no frequency). This sequence change replaces asparagine with aspartic acid at codon 268 of the DCDC2 protein (p.Asn268Asp). The asparagine residue is weakly conserved and there is a small physicochemical difference between asparagine and aspartic acid.